The following is an entry in ClinVar:

NM_001128178.3(NPHP1):c.438T>C (p.Asn146=)

Gene: NPHP1 (nephrocystin 1; minus strand). Cytogenetic location: 2q13.
Variant type: single nucleotide variant.
Coding change: c.438T>C on transcript NM_001128178.3 (MANE Select); coding-DNA position 438, T replaced by C.
Protein change: p.Asn146=; no amino-acid change (asparagine 146 retained).
Molecular consequence: synonymous variant.
Genome position (GRCh38, 1-based): chr2:110,169,890, A>G on the plus strand (T>C on the coding strand, the complement: NPHP1 is on the minus strand). VCF-style: chr2-110169890-A-G. GRCh37 (hg19) VCF-style: chr2-110927467-A-G.
Other names: c.438T>C, p.Asn146= (NM_000272.5, NM_001374256.1, NM_001374257.1 and 1 more transcripts); c.252T>C, p.Asn84= (NM_001128179.3).
Identifiers: ClinVar variation 462708 (VCV000462708.24), dbSNP rs548684868, ClinGen allele CA1827393.

ClinVar aggregate classification (germline): Benign/Likely benign. Review status: criteria provided, multiple submitters, no conflicts (2 of 4 stars). 6 submissions from 4 submitters: Benign (1); Likely benign (5). Last evaluated 2026-01-24.

Conditions:
Nephronophthisis. Also called: Juvenile Nephronophthisis. Identifiers: Orphanet 655, MedGen C0687120, MONDO:0019005, HP:0000090.
Nephronophthisis 1 (NPHP1). Also called: Nephronophthisis familial juvenile. Identifiers: Orphanet 655, Orphanet 93592, MedGen C1855681, MONDO:0009728, OMIM 256100.
Senior-Loken syndrome 1 (SLSN1). Also called: JUVENILE NEPHRONOPHTHISIS WITH LEBER AMAUROSIS. Identifiers: Orphanet 3156, MedGen C4551559, MONDO:0009962, OMIM 266900.
Joubert syndrome with renal defect. Also called: JOUBERT SYNDROME 4. Identifiers: Orphanet 220497, MedGen C1846790, MONDO:0012308, OMIM 609583.

Allele frequency attached by ClinVar (database versions not stated): gnomAD 0.00001 and 0.00021; TOPMed 0.00005; gnomAD exomes 0.00043 and 0.00095; ExAC 0.00111; 1000 Genomes Project 0.00140; 1000 Genomes Project 30x 0.00141.

Submissions (6):

Labcorp Genetics (formerly Invitae), Labcorp
Classification: Benign for Nephronophthisis. Last evaluated: 2026-01-24. Review status: criteria provided, single submitter. Criteria: Invitae Variant Classification Sherloc (09022015). Collection method: clinical testing. Allele origin: germline.

CeGaT Center for Human Genetics Tuebingen
Classification: Likely benign. Last evaluated: 2025-09-01. Review status: criteria provided, single submitter. Criteria: CeGaT Center For Human Genetics Tuebingen Variant Classification Criteria Version 2. Collection method: clinical testing. Allele origin: germline. Affected: yes. Observed: 1 variant allele.
Comment: NPHP1: BP4, BP7

Blueprint Genetics
Classification: Likely benign. Last evaluated: 2024-10-18. Review status: criteria provided, single submitter. Criteria: ACMG Guidelines, 2015. Collection method: clinical testing. Allele origin: germline.

Illumina Laboratory Services, Illumina
Classification: Likely benign for Senior-Loken syndrome 1. Last evaluated: 2018-01-12. Review status: criteria provided, single submitter. Criteria: ICSL Variant Classification Criteria 13 December 2019. Collection method: clinical testing. Allele origin: germline.
Comment: This variant was observed in the ICSL laboratory as part of a predisposition screen in an ostensibly healthy population. It had not been previously curated by ICSL or reported in the Human Gene Mutation Database (HGMD: prior to June 1st, 2018), and was therefore a candidate for classification through an automated scoring system. Utilizing variant allele frequency, disease prevalence and penetrance estimates, and inheritance mode, an automated score was calculated to assess if this variant is too frequent to cause the disease. Based on the score and internal cut-off values, a variant classified as likely benign is not then subjected to further curation. The score for this variant resulted in a classification of likely benign for this disease.

Illumina Laboratory Services, Illumina
Classification: Likely benign for Nephronophthisis 1. Last evaluated: 2018-01-12. Review status: criteria provided, single submitter. Criteria: ICSL Variant Classification Criteria 13 December 2019. Collection method: clinical testing. Allele origin: germline.
Comment: the same text as in the submission from Illumina Laboratory Services, Illumina above.

Illumina Laboratory Services, Illumina
Classification: Likely benign for Joubert syndrome with renal defect. Last evaluated: 2018-01-12. Review status: criteria provided, single submitter. Criteria: ICSL Variant Classification Criteria 13 December 2019. Collection method: clinical testing. Allele origin: germline.
Comment: the same text as in the submission from Illumina Laboratory Services, Illumina above.